The following is an entry in ClinVar:

ClinVar aggregate classification (germline): Uncertain significance. Review status: criteria provided, single submitter (1 of 4 stars). 2 submissions from 2 submitters: Uncertain significance (1). 1 of the submissions does not count toward it. Last evaluated 2023-10-02.

Conditions:
Tuberous sclerosis syndrome (TSC). Also called: Tuberous Sclerosis Complex; Tuberous sclerosis. Identifiers: Orphanet 805, MedGen C0041341, MONDO:0001734.

Allele frequency attached by ClinVar (database versions not stated): gnomAD exomes below 0.00001.
gnomAD v4.1: 1 of 1,612,988 alleles (0.000062%); highest among the groups gnomAD compares: Non-Finnish European, 0.000085%; no homozygotes.

Submissions (2):

All of Us Research Program, National Institutes of Health
Classification: Uncertain significance for Tuberous sclerosis syndrome. Last evaluated: 2023-10-02. Review status: criteria provided, single submitter. Criteria: ACMG Guidelines, 2015. Collection method: clinical testing. Allele origin: germline. Inheritance: Autosomal dominant inheritance. Observed: 1 variant allele, 1 heterozygote.
Comment: This missense variant replaces alanine with serine at codon 1009 of the TSC2 protein. Computational prediction suggests that this variant may not impact protein structure and function (internally defined REVEL score threshold <= 0.5, PMID: 27666373). To our knowledge, functional studies have not been reported for this variant. This variant has not been reported in individuals affected with TSC2-related disorders in the literature. This variant has not been identified in the general population by the Genome Aggregation Database (gnomAD). The available evidence is insufficient to determine the role of this variant in disease conclusively. Therefore, this variant is classified as a Variant of Uncertain Significance.

This study involves interpretation of variants in research participants for the purpose of population health screening. Participant phenotype was not available at the time of variant classification. Additional details can be found in publication PMID: 35346344, PMCID: PMC8962531

Tuberous sclerosis database (TSC2)
No classification provided. Condition: TSC. Review status: no classification provided. Criteria: Tuberous Sclerosis Database Assertion Criteria 2015. Collection method: curation. Allele origin: germline. Affected: yes. Not counted in ClinVar's aggregate classification.

NM_000548.5(TSC2):c.3025G>T (p.Ala1009Ser)

Gene: TSC2 (TSC complex subunit 2; plus strand). Cytogenetic location: 16p13.3.
Variant type: single nucleotide variant.
Coding change: c.3025G>T on transcript NM_000548.5 (MANE Select); coding-DNA position 3025, G replaced by T.
Protein change: p.Ala1009Ser; replaces alanine 1009 with serine.
Molecular consequence: missense variant.
Genome position (GRCh38, 1-based): chr16:2,079,090, G>T. VCF-style: chr16-2079090-G-T. GRCh37 (hg19) VCF-style: chr16-2129091-G-T.
Other names: c.2893G>T, p.Ala965Ser (NM_001077183.3, NM_001370404.1); c.3025G>T, p.Ala1009Ser (NM_001114382.3); c.2785G>T, p.Ala929Ser (NM_001318827.2); c.2749G>T, p.Ala917Ser (NM_001318829.2); c.2293G>T, p.Ala765Ser (NM_001318831.2); c.2926G>T, p.Ala976Ser (NM_001318832.2); c.2896G>T, p.Ala966Ser (NM_001363528.2, NM_001370405.1, NM_021055.3); short protein forms A1009S, A917S, A966S, A976S, A965S, A765S, A929S.
Identifiers: ClinVar variation 49544 (VCV000049544.3), dbSNP rs45517278, ClinGen allele CA018426.
Genomic context (GRCh38, chr16:2,079,090, plus strand): 5'-AGCAGGATACAGACGTCCCTCACCAGTGCCAGCTTGGGGTCTGCAGATGAGAACTCCGTG[G>T]CCCAGGCTGACGATAGCCTGAAAAACCTCCACCTGGAGCTCACGGAAACCTGTCTGGACA-3'
Protein context (NP_000539.2, residues 999-1019): SLGSADENSV[Ala1009Ser]QADDSLKNLH